The following is an entry in ClinVar:

ClinVar aggregate classification (germline): Conflicting classifications of pathogenicity. Review status: criteria provided, conflicting classifications (1 of 4 stars). 2 submissions from 2 submitters: Uncertain significance (1); Likely benign (1). Last evaluated 2023-03-23.

Conditions:
Hereditary cancer-predisposing syndrome. Also called: Neoplastic Syndromes, Hereditary; Tumor predisposition; Hereditary neoplastic syndrome; Hereditary Cancer Syndrome. Identifiers: Orphanet 140162, MedGen C0027672, MeSH D009386, MONDO:0015356.

Submissions (2):

University of Washington Department of Laboratory Medicine, University of Washington
Classification: Likely benign for Hereditary cancer-predisposing syndrome. Last evaluated: 2023-03-23. Review status: criteria provided, single submitter. Criteria: Dines et al. (Genet Med. 2020). Collection method: curation. Allele origin: germline.
Comment: Missense variant in a coldspot region where missense variants are very unlikely to be pathogenic (PMID:31911673).

BRCA1 coldspot (exon 11 using historical exon numbering). Reclassification based on statistical prior probability

Ambry Genetics
Classification: Uncertain significance for Hereditary cancer-predisposing syndrome. Last evaluated: 2018-11-05. Review status: criteria provided, single submitter. Criteria: Ambry Variant Classification Scheme 2023. Collection method: clinical testing. Allele origin: germline.
Comment: The p.N1311K variant (also known as c.3933C>A), located in coding exon 9 of the BRCA1 gene, results from a C to A substitution at nucleotide position 3933. The asparagine at codon 1311 is replaced by lysine, an amino acid with similar properties. This amino acid position is well conserved in available vertebrate species. In addition, the in silico prediction for this alteration is inconclusive. Since supporting evidence is limited at this time, the clinical significance of this alteration remains unclear.

Literature cited by the submitters: PubMed 18273839 (cited by Ambry Genetics).

NM_007294.4(BRCA1):c.3933C>A (p.Asn1311Lys)

Genes: BRCA1 (BRCA1 DNA repair associated; minus strand), LOC126862571 (BRD4-independent group 4 enhancer GRCh37_chr17:41243136-41244335; plus strand). Cytogenetic location: 17q21.31.
Variant type: single nucleotide variant.
Coding change: c.3933C>A on transcript NM_007294.4 (MANE Select); coding-DNA position 3933, C replaced by A.
Protein change: p.Asn1311Lys; replaces asparagine 1311 with lysine.
Molecular consequence: missense variant. On other transcripts: intron variant (135).
Genome position (GRCh38, 1-based): chr17:43,091,598, G>T on the plus strand (C>A on the coding strand, the complement: BRCA1 is on the minus strand). VCF-style: chr17-43091598-G-T. GRCh37 (hg19) VCF-style: chr17-41243615-G-T.
Other names: c.3810C>A, p.Asn1270Lys (NM_001407680.1, NM_001407681.1, NM_001407682.1 and 19 more transcripts); c.3933C>A, p.Asn1311Lys (NM_001407684.1, NM_001407854.1, NM_001407858.1 and 30 more transcripts); c.3807C>A, p.Asn1269Lys (NM_001407685.1, NM_001407686.1, NM_001407687.1 and 11 more transcripts); c.3792C>A, p.Asn1264Lys (NM_001407692.1, NM_001407694.1, NM_001407695.1 and 29 more transcripts); c.3789C>A, p.Asn1263Lys (NM_001407740.1, NM_001407741.1, NM_001407742.1 and 20 more transcripts); c.3720C>A, p.Asn1240Lys (NM_001407853.1, NM_001407894.1, NM_001407895.1 and 9 more transcripts); c.3930C>A, p.Asn1310Lys (NM_001407860.1, NM_001407861.1, NM_001407587.1 and 22 more transcripts); c.3732C>A, p.Asn1244Lys (NM_001407862.1); and 41 more; short protein forms N1264K, N1311K, N1183K, N1199K, N1222K, N1223K, N1240K, N1244K.
Identifiers: ClinVar variation 824398 (VCV000824398.7), dbSNP rs1597860407, ClinGen allele CA10594096.